The following is an entry in ClinVar:

ClinVar aggregate classification (germline): Uncertain significance. Review status: criteria provided, multiple submitters, no conflicts (2 of 4 stars). 2 submissions from 2 submitters: Uncertain significance (2). Last evaluated 2025-07-02.

Allele frequency attached by ClinVar (database versions not stated): gnomAD 0.00001; TOPMed 0.00001; gnomAD exomes 0.00001.
gnomAD v4.1: 18 of 1,613,994 alleles (0.0011%); highest among the groups gnomAD compares: East Asian, 0.0022%; no homozygotes.

Submissions (2):

Labcorp Genetics (formerly Invitae), Labcorp
Classification: Uncertain significance. Last evaluated: 2025-07-02. Review status: criteria provided, single submitter. Criteria: Invitae Variant Classification Sherloc (09022015). Collection method: clinical testing. Allele origin: germline.
Comment: This sequence change replaces valine, which is neutral and non-polar, with methionine, which is neutral and non-polar, at codon 762 of the IL6ST protein (p.Val762Met). This variant is present in population databases (no rsID available, gnomAD 0.006%). This variant has not been reported in the literature in individuals affected with IL6ST-related conditions. ClinVar contains an entry for this variant (Variation ID: 2051022). An algorithm developed to predict the effect of missense changes on protein structure and function (PolyPhen-2) suggests that this variant is likely to be disruptive. In summary, the available evidence is currently insufficient to determine the role of this variant in disease. Therefore, it has been classified as a Variant of Uncertain Significance.

Ambry Genetics
Classification: Uncertain significance. Last evaluated: 2023-12-26. Review status: criteria provided, single submitter. Criteria: Ambry Variant Classification Scheme 2023. Collection method: clinical testing. Allele origin: germline.

NM_002184.4(IL6ST):c.2284G>A (p.Val762Met)

Gene: IL6ST (interleukin 6 cytokine family signal transducer; minus strand). Cytogenetic location: 5q11.2.
Variant type: single nucleotide variant.
Coding change: c.2284G>A on transcript NM_002184.4 (MANE Select); coding-DNA position 2284, G replaced by A.
Protein change: p.Val762Met; replaces valine 762 with methionine.
Molecular consequence: missense variant. On other transcripts: 3 prime UTR variant (1), non-coding transcript variant (2).
Genome position (GRCh38, 1-based): chr5:55,941,555, C>T on the plus strand (G>A on the coding strand, the complement: IL6ST is on the minus strand). VCF-style: chr5-55941555-C-T. GRCh37 (hg19) VCF-style: chr5-55237383-C-T.
Other names: c.2284G>A (NM_002184.3); c.2101G>A, p.Val701Met (NM_001190981.2); c.2182G>A, p.Val728Met (NM_001364275.2); c.2074G>A, p.Val692Met (NM_001364276.2); c.1417G>A, p.Val473Met (NM_001364277.2); c.1381G>A, p.Val461Met (NM_001364278.2); c.1288G>A, p.Val430Met (NM_001364279.2); c.*1211G>A (NM_175767.3); short protein forms V430M, V701M, V692M, V728M, V473M, V762M, V461M.
Identifiers: ClinVar variation 2051022 (VCV002051022.5), dbSNP rs1273974875, ClinGen allele CA359778923.